The following is an entry in ClinVar:

ClinVar aggregate classification (germline): Uncertain significance (1 of 4 stars; one submission).

Submission:

GeneDx
Classification: Uncertain significance. Last evaluated: 2024-07-23. Review status: criteria provided, single submitter. Criteria: GeneDx Variant Classification Process June 2021. Collection method: clinical testing. Allele origin: germline. Affected: yes.
Comment: Has not been previously published as pathogenic or benign to our knowledge; Not observed at significant frequency in large population cohorts (gnomAD); Although located in a calcium-binding EGF-like domain of the FBN2 gene, it does not substitute or introduce a cysteine residue (PMID: 19006240, 18767143); In silico analysis supports that this missense variant has a deleterious effect on protein structure/function; This variant is associated with the following publications: (PMID: 19006240, 18767143)

NM_001999.4(FBN2):c.5804T>A (p.Val1935Asp)

Gene: FBN2 (fibrillin 2; minus strand). Cytogenetic location: 5q23.3.
Variant type: single nucleotide variant.
Coding change: c.5804T>A on transcript NM_001999.4 (MANE Select); coding-DNA position 5804, T replaced by A.
Protein change: p.Val1935Asp; replaces valine 1935 with aspartic acid.
Molecular consequence: missense variant.
Genome position (GRCh38, 1-based): chr5:128,303,086, A>T on the plus strand (T>A on the coding strand, the complement: FBN2 is on the minus strand). VCF-style: chr5-128303086-A-T. GRCh37 (hg19) VCF-style: chr5-127638778-A-T.
Other names: short protein forms V1935D.
Identifiers: ClinVar variation 3600915 (VCV003600915.1).
Genomic context (GRCh38, chr5:128,303,086, plus strand): 5'-TAGGATCCAACGGTGTTTTTACAAGTTCCATTTCCACATGGATGCCGCTCGCACTCATCA[A>T]CATCTATAAAGAAATATAGGCTCAAAAAATTCAATTTTTAACTAGAAAAAAATGGGCTAT-3'
Protein context (NP_001990.2, residues 1925-1945): ASQDQTMCMD[Val1935Asp]DECERHPCGN